The following is an entry in ClinVar:

ClinVar aggregate classification (germline): Likely pathogenic. Review status: criteria provided, multiple submitters, no conflicts (2 of 4 stars). 3 submissions from 3 submitters: Likely pathogenic (2). 1 of the submissions does not count toward it. Last evaluated 2025-10-01.

Conditions:
Pendred syndrome (PDS). Also called: DEAFNESS WITH GOITER; GOITER-DEAFNESS SYNDROME; HYPOTHYROIDISM, CONGENITAL, DUE TO DYSHORMONOGENESIS, 2B; Pendred's syndrome; Pendred Syndrome (PDS); THYROID DYSHORMONOGENESIS 2B. Identifiers: Orphanet 705, MedGen C0271829, MONDO:0010134, OMIM 274600.

gnomAD v4.1: 1 of 1,613,018 alleles (0.000062%); no homozygotes.

Submissions (3):

Labcorp Genetics (formerly Invitae), Labcorp
Classification: Likely pathogenic. Last evaluated: 2025-10-01. Review status: criteria provided, single submitter. Criteria: Invitae Variant Classification Sherloc (09022015). Collection method: clinical testing. Allele origin: germline.
Comment: This sequence change replaces glycine, which is neutral and non-polar, with arginine, which is basic and polar, at codon 497 of the SLC26A4 protein (p.Gly497Arg). This variant is not present in population databases (gnomAD no frequency). This missense change has been observed in individual(s) with clinical features of SLC26A4-related conditions (PMID: 16275403, 19648736, 30268946). ClinVar contains an entry for this variant (Variation ID: 550792). Invitae Evidence Modeling of protein sequence and biophysical properties (such as structural, functional, and spatial information, amino acid conservation, physicochemical variation, residue mobility, and thermodynamic stability) indicates that this missense variant is expected to disrupt SLC26A4 protein function with a positive predictive value of 95%. This variant disrupts the p.Gly497 amino acid residue in SLC26A4. Other variant(s) that disrupt this residue have been determined to be pathogenic (PMID: 9500541, 26763877, 28964290). This suggests that this residue is clinically significant, and that variants that disrupt this residue are likely to be disease-causing. In summary, the currently available evidence indicates that the variant is pathogenic, but additional data are needed to prove that conclusively. Therefore, this variant has been classified as Likely Pathogenic.

GeneDx
Classification: Likely pathogenic. Last evaluated: 2024-10-14. Review status: criteria provided, single submitter. Criteria: GeneDx Variant Classification Process June 2021. Collection method: clinical testing. Allele origin: germline. Affected: yes.
Comment: Not observed at significant frequency in large population cohorts (gnomAD); In silico analysis supports that this missense variant has a deleterious effect on protein structure/function; This variant is associated with the following publications: (PMID: 15279074, 27771369, 31581539, 19648736, 26763877, 9500541, 31599023, 30268946)

Counsyl
Classification: Uncertain significance for Pendred syndrome. Last evaluated: 2017-02-17. Review status: flagged submission. Collection method: clinical testing. Allele origin: unknown. Not counted in ClinVar's aggregate classification.
ClinVar note: Reason: Older claim that does not account for recent evidence

Literature cited by the submitters: PubMed 16275403 (cited by Labcorp Genetics (formerly Invitae), Labcorp and Counsyl); PubMed 19648736 (cited by Labcorp Genetics (formerly Invitae), Labcorp and Counsyl); PubMed 30268946 (cited by Labcorp Genetics (formerly Invitae), Labcorp); PubMed 9500541 (cited by Labcorp Genetics (formerly Invitae), Labcorp); PubMed 26763877 (cited by Labcorp Genetics (formerly Invitae), Labcorp); PubMed 28964290 (cited by Labcorp Genetics (formerly Invitae), Labcorp); PubMed 18075246 (cited by Counsyl); PubMed 27771369 (cited by Counsyl).

NM_000441.2(SLC26A4):c.1489G>C (p.Gly497Arg)

Gene: SLC26A4 (solute carrier family 26 member 4; plus strand). Cytogenetic location: 7q22.3.
Variant type: single nucleotide variant.
Coding change: c.1489G>C on transcript NM_000441.2 (MANE Select); coding-DNA position 1489, G replaced by C.
Protein change: p.Gly497Arg; replaces glycine 497 with arginine.
Molecular consequence: missense variant.
Genome position (GRCh38, 1-based): chr7:107,695,984, G>C. VCF-style: chr7-107695984-G-C. GRCh37 (hg19) VCF-style: chr7-107336429-G-C.
Other names: short protein forms G497R.
Identifiers: ClinVar variation 550792 (VCV000550792.8), dbSNP rs111033308, ClinGen allele CA368841280.
Genomic context (GRCh38, chr7:107,695,984, plus strand): 5'-TTTCCCTAGGTTATCTGGGTGTTTACGTGTATAGTGTCCATCATTCTGGGGCTGGATCTC[G>C]GTTTACTAGCTGGCCTTATATTTGGACTGTTGACTGTGGTCCTGAGAGTTCAGTTGTGAG-3'
Protein context (NP_000432.1, residues 487-507): IVSIILGLDL[Gly497Arg]LLAGLIFGLL